The following is an entry in ClinVar:

ClinVar aggregate classification (germline): Pathogenic (1 of 4 stars; one submission).

Conditions:
Primary ciliary dyskinesia. Also called: Ciliary dyskinesia. Identifiers: Orphanet 244, MedGen C0008780, MONDO:0016575, HP:0012265.

Submission:

Labcorp Genetics (formerly Invitae), Labcorp
Classification: Pathogenic for Primary ciliary dyskinesia. Last evaluated: 2016-09-09. Review status: criteria provided, single submitter. Criteria: Invitae Variant Classification Sherloc (09022015). Collection method: clinical testing. Allele origin: germline.
Comment: This variant is a gross deletion of the genomic region encompassing exons 36-39 of the DNAH5 gene. This creates a premature translational stop signal and is expected to result in an absent or disrupted protein product. While this particular deletion has not been reported in the literature, loss-of-function variants in DNAH5 are known to be pathogenic (PMID: 16627867, 11788826). For these reasons, this variant has been classified as Pathogenic.

NC_000005.10:g.(?_13824199)_(13830775_?)del

Gene: DNAH5 (dynein axonemal heavy chain 5; minus strand). Cytogenetic location: 5p15.2.
Variant type: Deletion.
Identifiers: ClinVar variation 417569 (VCV000417569.1).